The following is an entry in ClinVar:

ClinVar aggregate classification (germline): Uncertain significance (1 of 4 stars; one submission).

Conditions:
Leber congenital amaurosis 1 (LCA1). Also called: RETINAL BLINDNESS, CONGENITAL; Congenital absence of the rods and cones; Leber's congenital tapetoretinal degeneration; Leber's congenital tapetoretinal dysplasia; AMAUROSIS CONGENITA OF LEBER I. Identifiers: Orphanet 65, MedGen C2931258, MONDO:0008764, OMIM 204000.
Cone-rod dystrophy 6 (CORD6). Also called: RETINAL CONE DYSTROPHY 2; Cone dystrophy progressive. Identifiers: Orphanet 1872, MedGen C1866293, MONDO:0011143, OMIM 601777.

Submission:

Labcorp Genetics (formerly Invitae), Labcorp
Classification: Uncertain significance for Leber congenital amaurosis 1; Cone-rod dystrophy 6. Last evaluated: 2025-04-19. Review status: criteria provided, single submitter. Criteria: Invitae Variant Classification Sherloc (09022015). Collection method: clinical testing. Allele origin: germline.
Comment: This sequence change falls in intron 2 of the GUCY2D gene. It does not directly change the encoded amino acid sequence of the GUCY2D protein. This variant is not present in population databases (gnomAD no frequency). This variant has not been reported in the literature in individuals affected with GUCY2D-related conditions. Algorithms developed to predict the effect of sequence changes on RNA splicing suggest that this variant may disrupt the consensus splice site. In summary, the available evidence is currently insufficient to determine the role of this variant in disease. Therefore, it has been classified as a Variant of Uncertain Significance.

NM_000180.4(GUCY2D):c.722-20A>G

Gene: GUCY2D (guanylate cyclase 2D, retinal; plus strand). Cytogenetic location: 17p13.1.
Variant type: single nucleotide variant.
Coding change: c.722-20A>G on transcript NM_000180.4 (MANE Select); 20 bases into the intron before coding-DNA position 722, A replaced by G.
Molecular consequence: intron variant.
Genome position (GRCh38, 1-based): chr17:8,003,832, A>G. VCF-style: chr17-8003832-A-G. GRCh37 (hg19) VCF-style: chr17-7907150-A-G.
Identifiers: ClinVar variation 4784768 (VCV004784768.1).
Genomic context (GRCh38, chr17:8,003,832, plus strand): 5'-GGCTCCCTTGCAGGGTGCGAGGAGGTCGGCTGGTCCTGCCGGCAGCCGGACGGCGCCGCG[A>G]GCCAAGCCTCTGTCCGCAGCAGTGATCATGGTGATGCACTCGGTGCTGCTGGGTGGCGAG-3'